The following is an entry in ClinVar:

NM_032802.4(SPPL2A):c.893C>T (p.Ala298Val)

Gene: SPPL2A (signal peptide peptidase like 2A; minus strand). Cytogenetic location: 15q21.2.
Variant type: single nucleotide variant.
Coding change: c.893C>T on transcript NM_032802.4 (MANE Select); coding-DNA position 893, C replaced by T.
Protein change: p.Ala298Val; replaces alanine 298 with valine.
Molecular consequence: missense variant.
Genome position (GRCh38, 1-based): chr15:50,736,140, G>A on the plus strand (C>T on the coding strand, the complement: SPPL2A is on the minus strand). VCF-style: chr15-50736140-G-A. GRCh37 (hg19) VCF-style: chr15-51028337-G-A.
Other names: short protein forms A298V.
Identifiers: ClinVar variation 3448743 (VCV003448743.2).

ClinVar aggregate classification (germline): Uncertain significance. Review status: criteria provided, multiple submitters, no conflicts (2 of 4 stars). 2 submissions from 2 submitters: Uncertain significance (2). Last evaluated 2025-08-31.

gnomAD v4.1: 5 of 1,612,848 alleles (0.00031%); highest among the groups gnomAD compares: African/African-American, 0.0013%; no homozygotes.

Submissions (2):

Labcorp Genetics (formerly Invitae), Labcorp
Classification: Uncertain significance. Last evaluated: 2025-08-31. Review status: criteria provided, single submitter. Criteria: Invitae Variant Classification Sherloc (09022015). Collection method: clinical testing. Allele origin: germline.
Comment: This sequence change replaces alanine, which is neutral and non-polar, with valine, which is neutral and non-polar, at codon 298 of the SPPL2A protein (p.Ala298Val). This variant is present in population databases (no rsID available, gnomAD no frequency). This variant has not been reported in the literature in individuals affected with SPPL2A-related conditions. ClinVar contains an entry for this variant (Variation ID: 3448743). An algorithm developed to predict the effect of missense changes on protein structure and function (PolyPhen-2) suggests that this variant is likely to be disruptive. In summary, the available evidence is currently insufficient to determine the role of this variant in disease. Therefore, it has been classified as a Variant of Uncertain Significance.

Ambry Genetics
Classification: Uncertain significance. Last evaluated: 2024-08-05. Review status: criteria provided, single submitter. Criteria: Ambry Variant Classification Scheme 2023. Collection method: clinical testing. Allele origin: germline.